The following is an entry in ClinVar:

NM_005271.5(GLUD1):c.40G>C (p.Ala14Pro)

Genes: GLUD1 (glutamate dehydrogenase 1; minus strand), SHLD2 (shieldin complex subunit 2; plus strand), LOC130004255 (ATAC-STARR-seq lymphoblastoid silent region 2577; plus strand). Cytogenetic location: 10q23.2.
Variant type: single nucleotide variant.
Coding change: c.40G>C on transcript NM_005271.5 (MANE Select); coding-DNA position 40, G replaced by C.
Protein change: p.Ala14Pro; replaces alanine 14 with proline.
Molecular consequence: missense variant. On other transcripts: 5 prime UTR variant (3).
Genome position (GRCh38, 1-based): chr10:87,094,730, C>G on the plus strand (G>C on the coding strand, the complement: GLUD1 is on the minus strand). VCF-style: chr10-87094730-C-G. GRCh37 (hg19) VCF-style: chr10-88854487-C-G.
Other names: c.-689G>C (NM_001318904.2); c.-815G>C (NM_001318905.2); c.-522G>C (NM_001318906.2); short protein forms A14P.
Identifiers: ClinVar variation 4030323 (VCV004030323.2).

ClinVar aggregate classification (germline): Uncertain significance. Review status: criteria provided, multiple submitters, no conflicts (2 of 4 stars). 2 submissions from 2 submitters: Uncertain significance (2). Last evaluated 2026-01-28.

Conditions:
Hyperinsulinism-hyperammonemia syndrome (HHF6). Identifiers: Orphanet 35878, MedGen C1847555, MONDO:0011717, OMIM 606762.
Inborn genetic diseases. Identifiers: MedGen C0950123, MeSH D030342.

gnomAD v4.1: 33 of 1,523,136 alleles (0.0022%); highest among the groups gnomAD compares: African/African-American, 0.046%; no homozygotes.

Submissions (2):

Labcorp Genetics (formerly Invitae), Labcorp
Classification: Uncertain significance for Hyperinsulinism-hyperammonemia syndrome. Last evaluated: 2026-01-28. Review status: criteria provided, single submitter. Criteria: Invitae Variant Classification Sherloc (09022015). Collection method: clinical testing. Allele origin: germline.
Comment: This sequence change replaces alanine, which is neutral and non-polar, with proline, which is neutral and non-polar, at codon 14 of the GLUD1 protein (p.Ala14Pro). This variant is present in population databases (rs752422493, gnomAD 0.03%). This variant has not been reported in the literature in individuals affected with GLUD1-related conditions. ClinVar contains an entry for this variant (Variation ID: 4030323). Experimental studies and prediction algorithms are not available or were not evaluated, and the functional significance of this variant is currently unknown. In summary, the available evidence is currently insufficient to determine the role of this variant in disease. Therefore, it has been classified as a Variant of Uncertain Significance.

Ambry Genetics
Classification: Uncertain significance for Inborn genetic diseases. Last evaluated: 2025-05-27. Review status: criteria provided, single submitter. Criteria: Ambry Variant Classification Scheme 2023. Collection method: clinical testing. Allele origin: germline.